The following is an entry in ClinVar:

NM_016203.4(PRKAG2):c.246G>T (p.Gln82His)

Gene: PRKAG2 (protein kinase AMP-activated non-catalytic subunit gamma 2; minus strand). Cytogenetic location: 7q36.1.
Variant type: single nucleotide variant.
Coding change: c.246G>T on transcript NM_016203.4 (MANE Select); coding-DNA position 246, G replaced by T.
Protein change: p.Gln82His; replaces glutamine 82 with histidine.
Molecular consequence: missense variant.
Genome position (GRCh38, 1-based): chr7:151,781,372, C>A on the plus strand (G>T on the coding strand, the complement: PRKAG2 is on the minus strand). VCF-style: chr7-151781372-C-A. GRCh37 (hg19) VCF-style: chr7-151478458-C-A.
Other names: c.114G>T, p.Gln38His (NM_001040633.2); short protein forms Q38H, Q82H.
Identifiers: ClinVar variation 1187307 (VCV001187307.10), dbSNP rs1182448951, ClinGen allele CA370069830.

ClinVar aggregate classification (germline): Conflicting classifications of pathogenicity. Review status: criteria provided, conflicting classifications (1 of 4 stars). 3 submissions from 3 submitters: Uncertain significance (2); Likely benign (1). Last evaluated 2024-02-03.

Conditions:
Lethal congenital glycogen storage disease of heart. Also called: GLYCOGEN STORAGE DISEASE OF HEART; PHOSPHORYLASE KINASE DEFICIENCY OF HEART. Identifiers: Orphanet 439854, MedGen C1849813, MONDO:0009867, OMIM 261740.
Cardiovascular phenotype. Identifiers: MedGen CN230736.

Allele frequency attached by ClinVar (database versions not stated): gnomAD 0.00001; TOPMed 0.00001.
gnomAD v4.1: 1 of 1,612,606 alleles (0.000062%); highest among the groups gnomAD compares: African/African-American, 0.0013%; no homozygotes.

Submissions (3):

Labcorp Genetics (formerly Invitae), Labcorp
Classification: Likely benign for Lethal congenital glycogen storage disease of heart. Last evaluated: 2024-02-03. Review status: criteria provided, single submitter. Criteria: Invitae Variant Classification Sherloc (09022015). Collection method: clinical testing. Allele origin: germline.

Ambry Genetics
Classification: Uncertain significance for Cardiovascular phenotype. Last evaluated: 2023-12-03. Review status: criteria provided, single submitter. Criteria: Ambry Variant Classification Scheme 2023. Collection method: clinical testing. Allele origin: germline.
Comment: The p.Q82H variant (also known as c.246G>T), located in coding exon 3 of the PRKAG2 gene, results from a G to T substitution at nucleotide position 246. The glutamine at codon 82 is replaced by histidine, an amino acid with highly similar properties. This amino acid position is conserved. In addition, this alteration is predicted to be tolerated by in silico analysis. Since supporting evidence is limited at this time, the clinical significance of this alteration remains unclear.

GeneDx
Classification: Uncertain significance. Last evaluated: 2021-01-08. Review status: criteria provided, single submitter. Criteria: GeneDx Variant Classification Process June 2021. Collection method: clinical testing. Allele origin: germline. Affected: yes.
Comment: Not observed at a significant frequency in large population cohorts (Lek et al., 2016); In silico analysis supports that this missense variant does not alter protein structure/function; Has not been previously published as pathogenic or benign to our knowledge